The following is an entry in ClinVar:

NM_033380.3(COL4A5):c.1424-2A>G

Gene: COL4A5 (collagen type IV alpha 5 chain; plus strand). Cytogenetic location: Xq22.3.
Variant type: single nucleotide variant.
Coding change: c.1424-2A>G on transcript NM_033380.3 (MANE Select); the canonical splice acceptor site of the intron before coding-DNA position 1424, A replaced by G.
Molecular consequence: splice acceptor variant.
Genome position (GRCh38, 1-based): chrX:108,595,507, A>G. VCF-style: chrX-108595507-A-G. GRCh37 (hg19) VCF-style: chrX-107838737-A-G.
Other names: c.1424-2A>G (NM_000495.5).
Identifiers: ClinVar variation 958660 (VCV000958660.8), dbSNP rs759179999, ClinGen allele CA413935350.

ClinVar aggregate classification (germline): Likely pathogenic (1 of 4 stars; one submission).

Submission:

Labcorp Genetics (formerly Invitae), Labcorp
Classification: Likely pathogenic. Last evaluated: 2023-06-13. Review status: criteria provided, single submitter. Criteria: Invitae Variant Classification Sherloc (09022015). Collection method: clinical testing. Allele origin: germline.
Comment: In summary, the currently available evidence indicates that the variant is pathogenic, but additional data are needed to prove that conclusively. Therefore, this variant has been classified as Likely Pathogenic. Algorithms developed to predict the effect of sequence changes on RNA splicing suggest that this variant may disrupt the consensus splice site. ClinVar contains an entry for this variant (Variation ID: 958660). Disruption of this splice site has been observed in individual(s) with Alport syndrome (PMID: 32359821; Invitae). This variant is not present in population databases (gnomAD no frequency). This sequence change affects an acceptor splice site in intron 21 of the COL4A5 gene. It is expected to disrupt RNA splicing. Variants that disrupt the donor or acceptor splice site typically lead to a loss of protein function (PMID: 16199547), and loss-of-function variants in COL4A5 are known to be pathogenic (PMID: 9195222, 10752524, 14514738, 24854265, 26809805).

Literature cited by the submitters: PubMed 32359821; PubMed 16199547; PubMed 9195222; PubMed 10752524; PubMed 14514738; PubMed 24854265; PubMed 26809805.